The following is an entry in ClinVar:

NM_020937.4(FANCM):c.6143del (p.Ile2048fs)

Gene: FANCM (FA complementation group M; plus strand). Cytogenetic location: 14q21.2.
Variant type: Deletion.
Coding change: c.6143del on transcript NM_020937.4 (MANE Select); coding-DNA position 6143, one base deleted (T; older notation c.6143delT).
Protein change: p.Ile2048fs; shifts the reading frame from isoleucine 2048.
Molecular consequence: frameshift variant.
Genome position (GRCh38, 1-based): chr14:45,200,004, T deleted. VCF-style (leftmost placement, unchanged base first): chr14-45200003-AT-A. GRCh37 (hg19) VCF-style: chr14-45669206-AT-A.
Other names: c.6065del, p.Ile2022fs (NM_001308133.2); c.6143delT, p.Ile2048Asnfs (NM_020937.2); c.6143del (NM_020937.2); short protein forms I2048fs, I2022fs.
Identifiers: ClinVar variation 2198895 (VCV002198895.5), dbSNP rs2503285377, ClinGen allele CA2580088156.
Genomic context (GRCh38, chr14:45,200,003, plus strand): 5'-TATGTATTTGACATACAAATGTTACCAAATGATCTTAACCAAGATAGACTGAAATCTGAT[AT>A]ATAATCAAGCTGCTCAAGATGGGGTTTTCAAAGACCTCTCACAATATTAAATGCACTTCA-3'

ClinVar aggregate classification (germline): Uncertain significance. Review status: criteria provided, multiple submitters, no conflicts (2 of 4 stars). 2 submissions from 2 submitters: Uncertain significance (2). Last evaluated 2023-12-19.

Conditions:
Fanconi anemia (FA). Also called: Fanconi's anemia. Identifiers: Orphanet 84, MedGen C0015625, MeSH D005199, MONDO:0019391.

Submissions (2):

GeneDx
Classification: Uncertain significance. Last evaluated: 2023-12-19. Review status: criteria provided, single submitter. Criteria: GeneDx Variant Classification Process June 2021. Collection method: clinical testing. Allele origin: germline. Affected: yes.
Comment: Frameshift variant predicted to result in abnormal protein length as the last 1 amino acid are replaced with 16 different amino acids; Has not been previously published as pathogenic or benign to our knowledge; Not observed at significant frequency in large population cohorts (gnomAD)

Labcorp Genetics (formerly Invitae), Labcorp
Classification: Uncertain significance for Fanconi anemia. Last evaluated: 2022-04-12. Review status: criteria provided, single submitter. Criteria: Invitae Variant Classification Sherloc (09022015). Collection method: clinical testing. Allele origin: germline.
Comment: This variant is not present in population databases (gnomAD no frequency). This sequence change results in a frameshift in the FANCM gene (p.Ile2048Asnfs*17). While this is not anticipated to result in nonsense mediated decay, it is expected to disrupt the last 1 amino acid(s) of the FANCM protein and extend the protein by 15 additional amino acid residues. This variant has not been reported in the literature in individuals affected with FANCM-related conditions. In summary, the available evidence is currently insufficient to determine the role of this variant in disease. Therefore, it has been classified as a Variant of Uncertain Significance.